The following is an entry in ClinVar:

NM_015141.4(GPD1L):c.914CTG[1] (p.Ala306del)

Gene: GPD1L (glycerol-3-phosphate dehydrogenase 1 like; plus strand). Cytogenetic location: 3p22.3.
Variant type: Microsatellite.
Coding change: c.914CTG[1] on transcript NM_015141.4 (MANE Select); one copy of the 3-base unit CTG starting at c.914; the reference has two copies in a row; one copy, 3 bases deleted; also written c.917_919del.
Protein change: p.Ala306del; deletes alanine 306.
Molecular consequence: inframe deletion.
Genome position (GRCh38, 1-based): chr3:32,159,632-32,159,634, CTG deleted; deleting any 3 consecutive bases within chr3:32,159,629-32,159,634 gives the same sequence; the position shown is the placement nearest the transcript's 3' end. VCF-style (leftmost placement, unchanged base first): chr3-32159628-TCTG-T. GRCh37 (hg19) VCF-style: chr3-32201120-TCTG-T.
Other names: c.917_919del (NM_015141.4); short protein forms A306del.
Identifiers: ClinVar variation 1326864 (VCV001326864.2), dbSNP rs2125498333, ClinGen allele CA2580614161.
Genomic context (GRCh38, chr3:32,159,628, plus strand): 5'-ACCATTGAAGAGTTGGAGAAGGAGATGCTGAATGGGCAAAAGCTCCAAGGACCGCAGACT[TCTG>T]CTGAAGTGTACCGCATCCTCAAACAGAAGGGACTACTGGACAAGTAAGTCTCTCAGTCGC-3'

ClinVar aggregate classification (germline): Uncertain significance (1 of 4 stars; one submission).

Conditions:
Brugada syndrome 2 (BRGDA2). Identifiers: Orphanet 130, MedGen C2673193, MONDO:0012728, OMIM 611777.

Submission:

SYNLAB MVZ HG Mannheim GmbH, Zentrum für Humangenetik Mannheim
Classification: Uncertain significance for Brugada syndrome 2. Last evaluated: 2021-10-01. Review status: criteria provided, single submitter. Criteria: ACMG Guidelines, 2015. Collection method: clinical testing. Allele origin: germline. Inheritance: Autosomal dominant inheritance. Affected: yes. Observed: 1 heterozygote.
Comment: observed as mixed heterozygous variant together with pathogenic SCN5A-Variant.